The following is an entry in ClinVar:

ClinVar aggregate classification (germline): Uncertain significance (1 of 4 stars; one submission).

Conditions:
Dilated cardiomyopathy 1G (CMD1G). Identifiers: Orphanet 154, MedGen C1858763, MONDO:0011400, OMIM 604145.
Autosomal recessive limb-girdle muscular dystrophy type 2J (LGMDR10). Also called: Limb-girdle muscular dystrophy, type 2J; MUSCULAR DYSTROPHY, LIMB-GIRDLE, AUTOSOMAL RECESSIVE 10. Identifiers: Orphanet 140922, MedGen C1837342, MONDO:0012127, OMIM 608807.

Submission:

Labcorp Genetics (formerly Invitae), Labcorp
Classification: Uncertain significance for Dilated cardiomyopathy 1G; Autosomal recessive limb-girdle muscular dystrophy type 2J. Last evaluated: 2024-03-11. Review status: criteria provided, single submitter. Criteria: Invitae Variant Classification Sherloc (09022015). Collection method: clinical testing. Allele origin: germline.
Comment: This sequence change replaces threonine, which is neutral and polar, with alanine, which is neutral and non-polar, at codon 34280 of the TTN protein (p.Thr34280Ala). This variant is not present in population databases (gnomAD no frequency). This variant has not been reported in the literature in individuals affected with TTN-related conditions. Experimental studies and prediction algorithms are not available or were not evaluated, and the functional significance of this variant is currently unknown. This variant is located in the M band of TTN (PMID: 25589632). Non-truncating variants in this region may be relevant for neuromuscular disorders, but have not been definitively shown to cause cardiomyopathy (PMID: 23975875). In summary, the available evidence is currently insufficient to determine the role of this variant in disease. Therefore, it has been classified as a Variant of Uncertain Significance.

Literature cited by the submitters: PubMed 25589632; PubMed 23975875.

NM_001267550.2(TTN):c.102838A>G (p.Thr34280Ala)

Genes: TTN (titin; minus strand), TTN-AS1 (TTN antisense RNA 1; plus strand). Cytogenetic location: 2q31.2.
Variant type: single nucleotide variant.
Coding change: c.102838A>G on transcript NM_001267550.2 (MANE Select); coding-DNA position 102838, A replaced by G.
Protein change: p.Thr34280Ala; replaces threonine 34280 with alanine.
Molecular consequence: missense variant.
Genome position (GRCh38, 1-based): chr2:178,533,777, T>C on the plus strand (A>G on the coding strand, the complement: TTN is on the minus strand). VCF-style: chr2-178533777-T-C. GRCh37 (hg19) VCF-style: chr2-179398504-T-C.
Other names: c.97915A>G, p.Thr32639Ala (NM_001256850.1); c.75643A>G, p.Thr25215Ala (NM_003319.4); c.95134A>G, p.Thr31712Ala (NM_133378.4); c.76018A>G, p.Thr25340Ala (NM_133432.3); c.76219A>G, p.Thr25407Ala (NM_133437.4); short protein forms T25215A, T25340A, T25407A, T31712A, T32639A, T34280A.
Identifiers: ClinVar variation 3748177 (VCV003748177.2).